The following is an entry in ClinVar:

ClinVar aggregate classification (germline): Conflicting classifications of pathogenicity. Review status: criteria provided, conflicting classifications (1 of 4 stars). 7 submissions from 7 submitters: Uncertain significance (6); Likely benign (1). Last evaluated 2025-01-21.

Conditions:
Hereditary cancer-predisposing syndrome. Also called: Hereditary neoplastic syndrome; Neoplastic Syndromes, Hereditary; Tumor predisposition; Hereditary Cancer Syndrome. Identifiers: Orphanet 140162, MedGen C0027672, MeSH D009386, MONDO:0015356.
Fanconi anemia complementation group J. Also called: BRIP1-Related Fanconi Anemia. Identifiers: Orphanet 84, MedGen C1836860, MONDO:0012187, OMIM 609054.
Familial cancer of breast. Also called: BREAST CANCER, FAMILIAL; hereditary breast carcinoma; Hereditary breast cancer. Identifiers: Orphanet 227535, MedGen C0346153, MONDO:0016419, OMIM 114480. Disease mechanism: loss of function.

Allele frequency attached by ClinVar (database versions not stated): gnomAD exomes below 0.00001; gnomAD 0.00001; 1000 Genomes Project 30x 0.00031.

Submissions (7):

Color Diagnostics, LLC DBA Color Health
Classification: Uncertain significance for Hereditary cancer-predisposing syndrome. Last evaluated: 2025-01-21. Review status: criteria provided, single submitter. Criteria: ACMG Guidelines, 2015. Collection method: clinical testing. Allele origin: germline.
Comment: This missense variant replaces threonine with alanine at codon 609 of the BRIP1 protein. Computational prediction suggests that this variant may not impact protein structure and function. To our knowledge, functional studies have not been reported for this variant. This variant has been reported in an individual affected with breast cancer (PMID: 32936981). This variant has not been identified in the general population by the Genome Aggregation Database (gnomAD). The available evidence is insufficient to determine the role of this variant in disease conclusively. Therefore, this variant is classified as a Variant of Uncertain Significance.

Labcorp Genetics (formerly Invitae), Labcorp
Classification: Uncertain significance for Familial cancer of breast; Fanconi anemia complementation group J. Last evaluated: 2024-09-10. Review status: criteria provided, single submitter. Criteria: Invitae Variant Classification Sherloc (09022015). Collection method: clinical testing. Allele origin: germline.
Comment: This sequence change replaces threonine, which is neutral and polar, with alanine, which is neutral and non-polar, at codon 609 of the BRIP1 protein (p.Thr609Ala). This variant is not present in population databases (gnomAD no frequency). This variant has not been reported in the literature in individuals affected with BRIP1-related conditions. ClinVar contains an entry for this variant (Variation ID: 461084). Invitae Evidence Modeling of protein sequence and biophysical properties (such as structural, functional, and spatial information, amino acid conservation, physicochemical variation, residue mobility, and thermodynamic stability) indicates that this missense variant is not expected to disrupt BRIP1 protein function with a negative predictive value of 80%. In summary, the available evidence is currently insufficient to determine the role of this variant in disease. Therefore, it has been classified as a Variant of Uncertain Significance.

Quest Diagnostics Nichols Institute San Juan Capistrano
Classification: Uncertain significance. Last evaluated: 2024-05-05. Review status: criteria provided, single submitter. Criteria: Quest Diagnostics criteria. Collection method: clinical testing. Allele origin: unknown.
Comment: The BRIP1 c.1825A>G (p.Thr609Ala) variant has been reported in the published literature in an individual with breast cancer (PMID: 32936981 (2021)). The frequency of this variant in the general population, 0.0000066 (1/152120 chromosomes (Genome Aggregation Database)), is uninformative in the assessment of its pathogenicity. Analysis of this variant using bioinformatics tools for the prediction of the effect of amino acid changes on protein structure and function yielded predictions that this variant is benign. Based on the available information, we are unable to determine the clinical significance of this variant.

Ambry Genetics
Classification: Likely benign for Hereditary cancer-predisposing syndrome. Last evaluated: 2024-03-20. Review status: criteria provided, single submitter. Criteria: Ambry Variant Classification Scheme 2023. Collection method: clinical testing. Allele origin: germline.

Baylor Genetics
Classification: Uncertain significance for Familial cancer of breast. Last evaluated: 2023-07-14. Review status: criteria provided, single submitter. Criteria: ACMG Guidelines, 2015. Collection method: clinical testing. Allele origin: unknown.

Revvity Omics, Revvity
Classification: Uncertain significance for Fanconi anemia complementation group J. Last evaluated: 2019-07-23. Review status: criteria provided, single submitter. Criteria: ACMG Guidelines, 2015. Collection method: clinical testing. Allele origin: germline.

Women's Health and Genetics/Laboratory Corporation of America, LabCorp
Classification: Uncertain significance. Last evaluated: 2017-05-22. Review status: criteria provided, single submitter. Criteria: LabCorp Variant Classification Summary - May 2015. Collection method: clinical testing. Allele origin: germline.
Comment: Variant summary: The BRIP1 c.1825A>G (p.Thr609Ala) variant involves the alteration of a conserved nucleotide. 2/4 in silico tools predict a benign outcome for this variant (SNPsandGO not captured due to low reliability index). This variant is absent in 121328 control chromosomes. The variant of interest has not, to our knowledge, been reported in affected individuals via publications and/or reputable databases/clinical diagnostic laboratories; nor evaluated for functional impact by in vivo/vitro studies. Because of the absence of clinical information and the lack of functional studies, the variant is classified as a variant of uncertain significance (VUS) until additional information becomes available.

Literature cited by the submitters: PubMed 32936981 (cited by Color Diagnostics, LLC DBA Color Health and Quest Diagnostics Nichols Institute San Juan Capistrano).

NM_032043.3(BRIP1):c.1825A>G (p.Thr609Ala)

Gene: BRIP1 (BRCA1 interacting DNA helicase 1; minus strand). Cytogenetic location: 17q23.2.
Variant type: single nucleotide variant.
Coding change: c.1825A>G on transcript NM_032043.3 (MANE Select); coding-DNA position 1825, A replaced by G.
Protein change: p.Thr609Ala; replaces threonine 609 with alanine.
Molecular consequence: missense variant.
Genome position (GRCh38, 1-based): chr17:61,780,371, T>C on the plus strand (A>G on the coding strand, the complement: BRIP1 is on the minus strand). VCF-style: chr17-61780371-T-C. GRCh37 (hg19) VCF-style: chr17-59857732-T-C.
Other names: short protein forms T609A.
Identifiers: ClinVar variation 461084 (VCV000461084.22), dbSNP rs189758577, ClinGen allele CA292281934.